The following is an entry in ClinVar:

ClinVar aggregate classification (germline): Pathogenic/Likely pathogenic. Review status: criteria provided, multiple submitters, no conflicts (2 of 4 stars). 2 submissions from 2 submitters: Pathogenic (1); Likely pathogenic (1). Last evaluated 2019-01-01.

Conditions:
Landau-Kleffner syndrome (FESD). Also called: APHASIA, ACQUIRED, WITH EPILEPSY; EPILEPSY, FOCAL, WITH SPEECH DISORDER AND WITH OR WITHOUT MENTAL RETARDATION. Identifiers: Orphanet 1945, Orphanet 725, Orphanet 98818, MedGen C0282512, MONDO:0009509, OMIM 245570.

Submissions (2):

Institute of Human Genetics, University of Leipzig Medical Center
Classification: Likely pathogenic for Landau-Kleffner syndrome. Last evaluated: 2019-01-01. Review status: criteria provided, single submitter. Criteria: ACMG Guidelines, 2015. Collection method: research. Allele origin: de novo. Affected: yes.

GeneDx
Classification: Pathogenic. Last evaluated: 2013-10-11. Review status: criteria provided, single submitter. Criteria: GeneDx Variant Classification (06012015). Collection method: clinical testing. Allele origin: germline. Affected: yes.
Comment: p.F210LfsX10: c.627delC in the GRIN2A gene (NM_000833.3). The c.627delC mutation in the GRIN2A gene has not been reported previously, to our knowledge. This mutation causes a frameshift starting with codon Phenylalanine 210, changes this amino acid to a Leucine residue and creates a premature Stop codon at position 10 of the new reading frame, denoted p.Phe210LeufsX10 (F210LfsX10). This mutation is predicted to cause loss of normal protein function either through protein truncation or nonsense-mediated mRNA decay. Although this mutation has not been previously reported to our knowledge, loss of function due to a nonsense mutation in GRIN2A has been reported previously in association with a GRIN2A-related phenotype (Endele et al., 2010). We interpret c.627delC as a disease-causing mutation. This variant has been observed de novo without verified parentage. The variant is found in GRIN2A panel(s).

Literature cited by the submitters: PubMed 30544257 (cited by Institute of Human Genetics, University of Leipzig Medical Center).

NM_001134407.3(GRIN2A):c.627del (p.Phe210fs)

Gene: GRIN2A (glutamate ionotropic receptor NMDA type subunit 2A; minus strand). Cytogenetic location: 16p13.2.
Variant type: Deletion.
Coding change: c.627del on transcript NM_001134407.3 (MANE Select); coding-DNA position 627, one base deleted (C; older notation c.627delC).
Protein change: p.Phe210fs; shifts the reading frame from phenylalanine 210.
Molecular consequence: frameshift variant.
Genome position (GRCh38, 1-based): chr16:9,938,339, G deleted on the plus strand (C on the coding strand, the reverse complement: GRIN2A is on the minus strand); the first of 2 consecutive G bases (chr16:9,938,339-9,938,340); deleting either gives the same sequence. VCF-style (leftmost placement, unchanged base first): chr16-9938338-AG-A. GRCh37 (hg19) VCF-style: chr16-10032195-AG-A.
Other names: c.627del, p.Phe210fs (NM_000833.5, NM_001134408.2); c.627delC (NM_001134407.3); short protein forms F210fs.
Identifiers: ClinVar variation 205685 (VCV000205685.2), dbSNP rs796052560, ClinGen allele CA315002.